The following is an entry in ClinVar:

NM_000070.3(CAPN3):c.2381-2A>G

Gene: CAPN3 (calpain 3; plus strand). Cytogenetic location: 15q15.1.
Variant type: single nucleotide variant.
Coding change: c.2381-2A>G on transcript NM_000070.3 (MANE Select); the canonical splice acceptor site of the intron before coding-DNA position 2381, A replaced by G.
Molecular consequence: splice acceptor variant.
Genome position (GRCh38, 1-based): chr15:42,411,285, A>G. VCF-style: chr15-42411285-A-G. GRCh37 (hg19) VCF-style: chr15-42703483-A-G.
Other names: c.2363-2A>G (NM_024344.2); c.2105-2A>G (NM_173087.2); c.845-2A>G (NM_173088.2); c.386-2A>G (NM_173090.2, NM_173089.2).
Identifiers: ClinVar variation 217155 (VCV000217155.12), dbSNP rs863224962, ClinGen allele CA347520.

ClinVar aggregate classification (germline): Pathogenic/Likely pathogenic. Review status: criteria provided, multiple submitters, no conflicts (2 of 4 stars). 6 submissions from 6 submitters: Pathogenic (4); Likely pathogenic (1). 1 of the submissions does not count toward it. Last evaluated 2025-07-23.

Conditions:
Autosomal recessive limb-girdle muscular dystrophy type 2A (LGMDR1). Also called: Muscular dystrophy, limb-girdle, type 2A, Amish; Limb-girdle muscular dystrophy, type 2A; Calpainopathy; LEYDEN-MOEBIUS MUSCULAR DYSTROPHY; MUSCULAR DYSTROPHY, PELVOFEMORAL. Identifiers: Orphanet 267, MedGen C1869123, MONDO:0009675, OMIM 253600. Disease mechanism: loss of function.
Muscular dystrophy, limb-girdle, autosomal dominant 4. Also called: Calpain-3-related limb-girdle muscular dystrophy D4; MUSCULAR DYSTROPHY, LIMB-GIRDLE, TYPE 1I. Identifiers: Orphanet 565909, MedGen C4748295, MONDO:0029133, OMIM 618129.

Allele frequency attached by ClinVar (database versions not stated): gnomAD exomes below 0.00001.
gnomAD v4.1: 1 of 1,614,050 alleles (0.000062%); highest among the groups gnomAD compares: Non-Finnish European, 0.000085%; no homozygotes.

Submissions (7):

Natera, Inc.
Classification: Likely pathogenic for Limb-girdle muscular dystrophy type 2A. Last evaluated: 2025-07-23. Review status: criteria provided, single submitter. Criteria: Natera Variant Classification Schema (03/2026). Collection method: clinical testing. Allele origin: germline.
Comment: The c.2381-2A>G variant in CAPN3 is a canonical splice acceptor site variant predicted to affect pre-mRNA splicing, which may result in an abnormal transcript and altered protein product. This variant is expected to result in nonsense mediated decay, truncation, or a dysfunctional protein product. This variant is rare in the general population with a frequency below the threshold expected for the associated phenotype(s). This variant has been observed in one or more individuals affected with the associated recessive disease, as either homozygous or compound heterozygous with a second variant (PMID: 22926650). Given the available evidence, this variant is classified as Likely Pathogenic.

Labcorp Genetics (formerly Invitae), Labcorp
Classification: Pathogenic for Autosomal recessive limb-girdle muscular dystrophy type 2A. Last evaluated: 2023-08-16. Review status: criteria provided, single submitter. Criteria: Invitae Variant Classification Sherloc (09022015). Collection method: clinical testing. Allele origin: germline.
Comment: This sequence change affects an acceptor splice site in intron 22 of the CAPN3 gene. It is expected to disrupt RNA splicing. Variants that disrupt the donor or acceptor splice site typically lead to a loss of protein function (PMID: 16199547), and loss-of-function variants in CAPN3 are known to be pathogenic (PMID: 10330340, 15689361). This variant is not present in population databases (gnomAD no frequency). Disruption of this splice site has been observed in individual(s) with autosomal recessive limb-girdle muscular dystrophy (PMID: 22926650). ClinVar contains an entry for this variant (Variation ID: 217155). Algorithms developed to predict the effect of sequence changes on RNA splicing suggest that this variant may disrupt the consensus splice site. For these reasons, this variant has been classified as Pathogenic.

Baylor Genetics
Classification: Pathogenic for Muscular dystrophy, limb-girdle, autosomal dominant 4. Last evaluated: 2022-06-25. Review status: criteria provided, single submitter. Criteria: ACMG Guidelines, 2015. Collection method: clinical testing. Allele origin: unknown.

Athena Diagnostics
Classification: Pathogenic for Limb-girdle muscular dystrophy, type 2A. Last evaluated: 2015-05-28. Review status: criteria provided, single submitter. Criteria: Athena Diagnostics Criteria. Collection method: clinical testing. Allele origin: germline. Inheritance: Autosomal recessive inheritance.

Juno Genomics, Hangzhou Juno Genomics, Inc
Classification: Pathogenic for Muscular dystrophy, limb-girdle, autosomal dominant 4; Autosomal recessive limb-girdle muscular dystrophy type 2A. Review status: criteria provided, single submitter. Criteria: ACMG Guidelines, 2015. Collection method: clinical testing. Allele origin: germline.
Comment: Absent from controls (or at extremely low frequency if recessive) in Genome Aggregation Database.;Null variant in a gene where loss of function (LOF) is a known mechanism of disease.;For recessive disorders, detected in trans with a pathogenic variant.

Counsyl
Classification: Likely pathogenic for Autosomal recessive limb-girdle muscular dystrophy type 2A. Last evaluated: 2018-05-21. Review status: no assertion criteria provided. Collection method: clinical testing. Allele origin: unknown. Not counted in ClinVar's aggregate classification.

Dr. Peter K. Rogan Lab, Western University
No classification provided (evidence only). Condition: Melanoma. Review status: no classification provided. Collection method: in vitro. Allele origin: not applicable. Functional consequence: skipped exon, retained intron. Not counted in ClinVar's aggregate classification.

Literature cited by the submitters: PubMed 22926650 (cited by 4 submitters); PubMed 16199547 (cited by Labcorp Genetics (formerly Invitae), Labcorp); PubMed 10330340 (cited by Labcorp Genetics (formerly Invitae), Labcorp); PubMed 15689361 (cited by Labcorp Genetics (formerly Invitae), Labcorp).